The following is an entry in ClinVar:

NM_016204.4(GDF2):c.34C>T (p.Leu12=)

Gene: GDF2 (growth differentiation factor 2; plus strand). Cytogenetic location: 10q11.22.
Variant type: single nucleotide variant.
Coding change: c.34C>T on transcript NM_016204.4 (MANE Select); coding-DNA position 34, C replaced by T.
Protein change: p.Leu12=; no amino-acid change (leucine 12 retained).
Molecular consequence: synonymous variant.
Genome position (GRCh38, 1-based): chr10:47,322,702, C>T. VCF-style: chr10-47322702-C-T. GRCh37 (hg19) VCF-style: chr10-48416660-G-A.
Other names: c.34C>T (NM_016204.3).
Identifiers: ClinVar variation 678674 (VCV000678674.42), dbSNP rs61758973, ClinGen allele CA5488225.
Genomic context (GRCh38, chr10:47,322,702, plus strand): 5'-CTCTCTGGGTGATTGCGCGGGCCTAAGATGTGTCCTGGGGCACTGTGGGTGGCCCTGCCC[C>T]TGCTGTCCCTGCTGGCTGGCTCCCTACAGGGGAAGCCACTGCAGAGCTGGGGACGAGGGT-3'
Protein context (NP_057288.1, residues 2-22): CPGALWVALP[Leu12=]LSLLAGSLQG

ClinVar aggregate classification (germline): Benign/Likely benign. Review status: criteria provided, multiple submitters, no conflicts (2 of 4 stars). 6 submissions from 6 submitters: Benign (2); Likely benign (3). 1 of the submissions does not count toward it. Last evaluated 2025-12-16.

Conditions:
GDF2-related disorder. Also called: GDF2-related condition.
Cardiovascular phenotype. Identifiers: MedGen CN230736.
Telangiectasia, hereditary hemorrhagic, type 5 (HHT5). Identifiers: Orphanet 774, MedGen C3809710, MONDO:0014217, OMIM 615506.

Allele frequency attached by ClinVar (database versions not stated): 1000 Genomes Project 30x 0.00016; 1000 Genomes Project 0.00020; ESP Exome Variant Server 0.00023; gnomAD 0.00040 and 0.00046; TOPMed 0.00048; gnomAD exomes 0.00061; ExAC 0.00110.

Submissions (6):

Labcorp Genetics (formerly Invitae), Labcorp
Classification: Benign for Telangiectasia, hereditary hemorrhagic, type 5. Last evaluated: 2025-12-16. Review status: criteria provided, single submitter. Criteria: Invitae Variant Classification Sherloc (09022015). Collection method: clinical testing. Allele origin: germline.

Blueprint Genetics
Classification: Likely benign. Last evaluated: 2024-09-11. Review status: criteria provided, single submitter. Criteria: ACMG Guidelines, 2015. Collection method: clinical testing. Allele origin: germline.

CeGaT Center for Human Genetics Tuebingen
Classification: Benign. Last evaluated: 2022-08-01. Review status: criteria provided, single submitter. Criteria: CeGaT Center For Human Genetics Tuebingen Variant Classification Criteria Version 2. Collection method: clinical testing. Allele origin: germline. Affected: yes. Observed: 1 variant allele.
Comment: GDF2: BS1, BS2

GeneDx
Classification: Likely benign. Last evaluated: 2021-06-23. Review status: criteria provided, single submitter. Criteria: GeneDx Variant Classification Process June 2021. Collection method: clinical testing. Allele origin: germline. Affected: yes.

Ambry Genetics
Classification: Likely benign for Cardiovascular phenotype. Last evaluated: 2015-06-09. Review status: criteria provided, single submitter. Criteria: Ambry Variant Classification Scheme 2023. Collection method: clinical testing. Allele origin: germline.

PreventionGenetics, part of Exact Sciences
Classification: Likely benign for GDF2-related condition. Last evaluated: 2019-06-26. Review status: no assertion criteria provided. Collection method: clinical testing. Allele origin: germline. Not counted in ClinVar's aggregate classification.
Comment: This variant is classified as likely benign based on ACMG/AMP sequence variant interpretation guidelines (Richards et al. 2015 PMID: 25741868, with internal and published modifications).